The following is an entry in ClinVar:

ClinVar aggregate classification (germline): Uncertain significance (1 of 4 stars; one submission).

Submission:

Dasa
Classification: Uncertain significance. Last evaluated: 2025-12-28. Review status: criteria provided, single submitter. Criteria: DASA Assertion Criteria. Collection method: clinical testing. Allele origin: germline.
Comment: NM_001287491.2(TET3):c.3318G>C (p.Glu1106Asp) is a missense variant that results in the substitution of glutamic acid with aspartic acid. This variant is rare in population databases. Computational prediction algorithms are consistent with a benign effect. The currently available literature and clinical evidence are not sufficient to establish a definitive association between this variant and the reported condition. Therefore, this variant is classified as a variant of uncertain significance.

NM_001287491.2(TET3):c.3318G>C (p.Glu1106Asp)

Gene: TET3 (tet methylcytosine dioxygenase 3; plus strand). Cytogenetic location: 2p13.1.
Variant type: single nucleotide variant.
Coding change: c.3318G>C on transcript NM_001287491.2 (MANE Select); coding-DNA position 3318, G replaced by C.
Protein change: p.Glu1106Asp; replaces glutamic acid 1106 with aspartic acid.
Molecular consequence: missense variant.
Genome position (GRCh38, 1-based): chr2:74,099,326, G>C. VCF-style: chr2-74099326-G-C. GRCh37 (hg19) VCF-style: chr2-74326453-G-C.
Other names: c.3039G>C, p.Glu1013Asp (NM_001366022.1); short protein forms E1013D, E1106D.
Identifiers: ClinVar variation 4885374 (VCV004885374.2).